The following is an entry in ClinVar:

NM_001355436.2(SPTB):c.1908del (p.Lys637fs)

Gene: SPTB (spectrin beta, erythrocytic; minus strand). Cytogenetic location: 14q23.3.
Variant type: Deletion.
Coding change: c.1908del on transcript NM_001355436.2 (MANE Select); coding-DNA position 1908, one base deleted (C; older notation c.1908delC).
Protein change: p.Lys637fs; shifts the reading frame from lysine 637.
Molecular consequence: frameshift variant.
Genome position (GRCh38, 1-based): chr14:64,793,755, G deleted on the plus strand (C on the coding strand, the reverse complement: SPTB is on the minus strand); the first of 2 consecutive G bases (chr14:64,793,755-64,793,756); deleting either gives the same sequence. VCF-style (leftmost placement, unchanged base first): chr14-64793754-TG-T. GRCh37 (hg19) VCF-style: chr14-65260472-TG-T.
Other names: c.1908del, p.Lys637fs (NM_001024858.4, NM_001355437.2); short protein forms K637fs.
Identifiers: ClinVar variation 1705421 (VCV001705421.1), dbSNP rs2503162476, ClinGen allele CA2580088587.

ClinVar aggregate classification (germline): Likely pathogenic (1 of 4 stars; one submission).

Conditions:
Hereditary spherocytosis type 2. Also called: SPHEROCYTOSIS, TYPE 2, AUTOSOMAL DOMINANT. Identifiers: Orphanet 822, MedGen C2674219, MONDO:0000913, OMIM 616649.

Submission:

3billion
Classification: Likely pathogenic for Hereditary spherocytosis type 2. Last evaluated: 2022-09-01. Review status: criteria provided, single submitter. Criteria: ACMG Guidelines, 2015. Collection method: clinical testing. Allele origin: germline. Affected: yes. Observed: 1 heterozygote.
Comment: The variant is not observed in the gnomAD v2.1.1 dataset. Frameshift variant is predicted to result in a loss or disruption of normal protein function through nonsense-mediated decay (NMD) or protein truncation. Multiple pathogenic variants are reported downstream of the variant. Therefore, this variant is classified as Likely pathogenic according to the recommendation of ACMG/AMP guideline.